The following is an entry in ClinVar:

ClinVar aggregate classification (germline): Uncertain significance (1 of 4 stars; one submission).

Conditions:
Autosomal recessive axonal neuropathy with neuromyotonia (NMAN). Also called: MYOKYMIA, MYOTONIA, AND MUSCLE WASTING; Neuromyotonia and axonal neuropathy, autosomal recessive; Gamstorp-Wohlfart syndrome. Identifiers: Orphanet 324442, MedGen C5700127, MONDO:0007646, OMIM 137200.

Allele frequency attached by ClinVar (database versions not stated): gnomAD exomes below 0.00001.
gnomAD v4.1: 1 of 1,608,154 alleles (0.000062%); highest among the groups gnomAD compares: Admixed American, 0.0017%; no homozygotes.

Submission:

Labcorp Genetics (formerly Invitae), Labcorp
Classification: Uncertain significance for Autosomal recessive axonal neuropathy with neuromyotonia. Last evaluated: 2022-10-25. Review status: criteria provided, single submitter. Criteria: Invitae Variant Classification Sherloc (09022015). Collection method: clinical testing. Allele origin: germline.
Comment: In summary, the available evidence is currently insufficient to determine the role of this variant in disease. Therefore, it has been classified as a Variant of Uncertain Significance. Algorithms developed to predict the effect of missense changes on protein structure and function (SIFT, PolyPhen-2, Align-GVGD) all suggest that this variant is likely to be tolerated. ClinVar contains an entry for this variant (Variation ID: 1353045). This variant has not been reported in the literature in individuals affected with HINT1-related conditions. This variant is present in population databases (no rsID available, gnomAD 0.003%). This sequence change replaces isoleucine, which is neutral and non-polar, with leucine, which is neutral and non-polar, at codon 5 of the HINT1 protein (p.Ile5Leu).

NM_005340.7(HINT1):c.13A>C (p.Ile5Leu)

Gene: HINT1 (histidine triad nucleotide binding protein 1; minus strand). Cytogenetic location: 5q23.3.
Variant type: single nucleotide variant.
Coding change: c.13A>C on transcript NM_005340.7 (MANE Select); coding-DNA position 13, A replaced by C.
Protein change: p.Ile5Leu; replaces isoleucine 5 with leucine.
Molecular consequence: missense variant. On other transcripts: non-coding transcript variant (5).
Genome position (GRCh38, 1-based): chr5:131,165,193, T>G on the plus strand (A>C on the coding strand, the complement: HINT1 is on the minus strand). VCF-style: chr5-131165193-T-G. GRCh37 (hg19) VCF-style: chr5-130500886-T-G.
Other names: short protein forms I5L.
Identifiers: ClinVar variation 1353045 (VCV001353045.8), dbSNP rs1378724374, ClinGen allele CA360839185.
Genomic context (GRCh38, chr5:131,165,193, plus strand): 5'-TGCGGATGATCTTCCCAAAGATCGTGTCGCCACCAGGCCGAGCGACCTGAGCCTTGGCAA[T>G]CTCATCTGCCATCTCGGCCTCTCTCCCGCGCGGCGGCCAGAGGAGAGGCTCGGAAGAAGG-3'
Protein context (NP_005331.1, residues 1-15): MADE[Ile5Leu]AKAQVARPGG